The following is an entry in ClinVar:

NM_002340.6(LSS):c.1702C>T (p.Arg568Trp)

Gene: LSS (lanosterol synthase; minus strand). Cytogenetic location: 21q22.3.
Variant type: single nucleotide variant.
Coding change: c.1702C>T on transcript NM_002340.6 (MANE Select); coding-DNA position 1702, C replaced by T.
Protein change: p.Arg568Trp; replaces arginine 568 with tryptophan.
Molecular consequence: missense variant.
Genome position (GRCh38, 1-based): chr21:46,196,236, G>A on the plus strand (C>T on the coding strand, the complement: LSS is on the minus strand). VCF-style: chr21-46196236-G-A. GRCh37 (hg19) VCF-style: chr21-47616150-G-A.
Other names: c.1702C>T, p.Arg568Trp (NM_001001438.3); c.1669C>T, p.Arg557Trp (NM_001145436.2); c.1462C>T, p.Arg488Trp (NM_001145437.2); short protein forms R488W, R557W, R568W.
Identifiers: ClinVar variation 1707082 (VCV001707082.5), dbSNP rs769430360, ClinGen allele CA410547484.

ClinVar aggregate classification (germline): Conflicting classifications of pathogenicity. Review status: criteria provided, conflicting classifications (1 of 4 stars). 2 submissions from 2 submitters: Likely pathogenic (1); Uncertain significance (1). Last evaluated 2025-06-25.

Allele frequency attached by ClinVar (database versions not stated): gnomAD 0.00001; TOPMed below 0.00001.

Submissions (2):

Dasa
Classification: Uncertain significance. Last evaluated: 2025-06-25. Review status: criteria provided, single submitter. Criteria: DASA Assertion Criteria. Collection method: clinical testing. Allele origin: germline.
Comment: NM_002340.6(LSS):c.1702C>T (p.Arg568Trp) is a missense variant that results in the substitution of arginine with tryptophan. This variant has been reported in individuals with LSS-related disorders (PMID: 34318586). Also, this variant is rare in population databases. Computational prediction algorithms are consistent with a benign effect. The currently available literature and clinical evidence are not sufficient to establish a definitive association between this variant and the reported condition. Therefore, this variant is classified as a variant of uncertain significance.

GeneDx
Classification: Likely pathogenic. Last evaluated: 2024-01-17. Review status: criteria provided, single submitter. Criteria: GeneDx Variant Classification Process June 2021. Collection method: clinical testing. Allele origin: germline. Affected: yes.
Comment: In silico analysis supports that this missense variant has a deleterious effect on protein structure/function; Also known as p.Arg568Trp; Not observed at significant frequency in large population cohorts (gnomAD); This variant is associated with the following publications: (PMID: 37157980, 34318586)

Literature cited by the submitters: PubMed 34318586 (cited by Dasa).